The following is an entry in ClinVar:

ClinVar aggregate classification (germline): Uncertain significance (1 of 4 stars; one submission).

Conditions:
Hyperaldosteronism, familial, type IV (HALD4). Also called: FH IV; ALDOSTERONISM, PRIMARY, AND HYPERTENSION. Identifiers: Orphanet 642671, MedGen C4310756, MONDO:0014875, OMIM 617027.
Idiopathic generalized epilepsy. Also called: EIG; Generalised epilepsy. Identifiers: MedGen C0270850, MONDO:0005579, OMIM 600669.

Submission:

Labcorp Genetics (formerly Invitae), Labcorp
Classification: Uncertain significance for Idiopathic generalized epilepsy; Hyperaldosteronism, familial, type IV. Last evaluated: 2023-08-10. Review status: criteria provided, single submitter. Criteria: Invitae Variant Classification Sherloc (09022015). Collection method: clinical testing. Allele origin: germline.
Comment: This sequence change creates a premature translational stop signal (p.Thr822Metfs*20) in the CACNA1H gene. It is expected to result in an absent or disrupted protein product. However, the current clinical and genetic evidence is not sufficient to establish whether loss-of-function variants in CACNA1H cause disease. This variant is not present in population databases (gnomAD no frequency). This variant has not been reported in the literature in individuals affected with CACNA1H-related conditions. In summary, the available evidence is currently insufficient to determine the role of this variant in disease. Therefore, it has been classified as a Variant of Uncertain Significance.

NM_021098.3(CACNA1H):c.2463_2466del (p.Thr822fs)

Gene: CACNA1H (calcium voltage-gated channel subunit alpha1 H; plus strand). Cytogenetic location: 16p13.3.
Variant type: Deletion.
Coding change: c.2463_2466del on transcript NM_021098.3 (MANE Select); coding-DNA positions 2463 to 2466, 4 bases deleted (GACT; older notation c.2463_2466delGACT).
Protein change: p.Thr822fs; shifts the reading frame from threonine 822.
Molecular consequence: frameshift variant.
Genome position (GRCh38, 1-based): chr16:1,205,125-1,205,128, GACT deleted; deleting any 4 consecutive bases within chr16:1,205,123-1,205,128 gives the same sequence; the c. name uses the placement nearest the transcript's 3' end. VCF-style (leftmost placement, unchanged base first): chr16-1205122-GCTGA-G. GRCh37 (hg19) VCF-style: chr16-1255122-GCTGA-G.
Other names: c.2463_2466del, p.Thr822fs (NM_001005407.2); short protein forms T822fs.
Identifiers: ClinVar variation 2939417 (VCV002939417.3), dbSNP rs2548665956, ClinGen allele CA2630924461.